The following is an entry in ClinVar:

ClinVar aggregate classification (germline): Uncertain significance (1 of 4 stars; one submission).

Conditions:
FLT4-related disorder. Also called: FLT4-related condition.

Submission:

PreventionGenetics, part of Exact Sciences
Classification: Uncertain significance for FLT4-related condition. Last evaluated: 2022-08-25. Review status: criteria provided, single submitter. Criteria: ACMG Guidelines, 2015. Collection method: clinical testing. Allele origin: germline.
Comment: The FLT4 c.3824_3825delinsTC variant is predicted to result in an in-frame deletion and insertion. To our knowledge, this variant has not been reported in the literature or in a large population database, indicating this variant is rare. Of note, another variant impacting the same amino acid has been reported as a de novo variant in a fetus with hereditary lymphedema who presented prenatally with hydrops and chylothorax [c.3823A>G (p.Ser1275Gly), Supplementary Table 3, Vora et al. 2020. PubMed ID: 31974414]. Although we suspect that this variant may be pathogenic, at this time, the clinical significance of this variant is uncertain due to the absence of conclusive functional and genetic evidence.

NM_182925.5(FLT4):c.3824_3825delinsTC (p.Ser1275Ile)

Gene: FLT4 (fms related receptor tyrosine kinase 4; minus strand). Cytogenetic location: 5q35.3.
Variant type: Indel.
Coding change: c.3824_3825delinsTC on transcript NM_182925.5 (MANE Select); coding-DNA positions 3824 to 3825, GT replaced by TC.
Protein change: p.Ser1275Ile; replaces serine 1275 with isoleucine.
Molecular consequence: missense variant.
Genome position (GRCh38, 1-based): chr5:180,609,036-180,609,037, AC replaced by GA on the plus strand (GT replaced by TC on the coding strand, the reverse complement: FLT4 is on the minus strand). VCF-style: chr5-180609036-AC-GA. GRCh37 (hg19) VCF-style: chr5-180036036-AC-GA.
Other names: c.3824_3825delinsTC, p.Ser1275Ile (NM_001354989.2, NM_002020.5); short protein forms S1275I.
Identifiers: ClinVar variation 2636556 (VCV002636556.1), dbSNP rs2480811733, ClinGen allele CA2695198797.